The following is an entry in ClinVar:

NM_000203.5(IDUA):c.462C>G (p.Asp154Glu)

Gene: IDUA (alpha-L-iduronidase; plus strand). Cytogenetic location: 4p16.3.
Variant type: single nucleotide variant.
Coding change: c.462C>G on transcript NM_000203.5 (MANE Select); coding-DNA position 462, C replaced by G.
Protein change: p.Asp154Glu; replaces aspartic acid 154 with glutamic acid.
Molecular consequence: missense variant. On other transcripts: non-coding transcript variant (1).
Genome position (GRCh38, 1-based): chr4:1,000,958, C>G. VCF-style: chr4-1000958-C-G. GRCh37 (hg19) VCF-style: chr4-994746-C-G.
Other names: c.66C>G, p.Asp22Glu (NM_001363576.1); short protein forms D154E, D22E.
Identifiers: ClinVar variation 1434522 (VCV001434522.5), dbSNP rs2153021723, ClinGen allele CA355961549.

ClinVar aggregate classification (germline): Uncertain significance (1 of 4 stars; one submission).

Conditions:
Mucopolysaccharidosis type 1. Also called: IDUA deficiency; MPS I. Identifiers: Orphanet 579, MedGen C0023786, MONDO:0001586.

gnomAD v4.1: 1 of 1,613,306 alleles (0.000062%); no homozygotes.

Submission:

Labcorp Genetics (formerly Invitae), Labcorp
Classification: Uncertain significance for Mucopolysaccharidosis type 1. Last evaluated: 2021-09-17. Review status: criteria provided, single submitter. Criteria: Invitae Variant Classification Sherloc (09022015). Collection method: clinical testing. Allele origin: germline.
Comment: This sequence change replaces aspartic acid with glutamic acid at codon 154 of the IDUA protein (p.Asp154Glu). The aspartic acid residue is weakly conserved and there is a small physicochemical difference between aspartic acid and glutamic acid. This variant is not present in population databases (ExAC no frequency). This variant has not been reported in the literature in individuals with IDUA-related conditions. Advanced modeling of protein sequence and biophysical properties (such as structural, functional, and spatial information, amino acid conservation, physicochemical variation, residue mobility, and thermodynamic stability) performed at Invitae indicates that this missense variant is not expected to disrupt IDUA protein function. In summary, the available evidence is currently insufficient to determine the role of this variant in disease. Therefore, it has been classified as a Variant of Uncertain Significance.